The following is an entry in ClinVar:

NM_007315.4(STAT1):c.1508G>C (p.Ser503Thr)

Gene: STAT1 (signal transducer and activator of transcription 1; minus strand). Cytogenetic location: 2q32.2.
Variant type: single nucleotide variant.
Coding change: c.1508G>C on transcript NM_007315.4 (MANE Select); coding-DNA position 1508, G replaced by C.
Protein change: p.Ser503Thr; replaces serine 503 with threonine.
Molecular consequence: missense variant.
Genome position (GRCh38, 1-based): chr2:190,982,457, C>G on the plus strand (G>C on the coding strand, the complement: STAT1 is on the minus strand). VCF-style: chr2-190982457-C-G. GRCh37 (hg19) VCF-style: chr2-191847183-C-G.
Other names: c.1544G>C, p.Ser515Thr (NM_001384891.1); c.1508G>C, p.Ser503Thr (NM_001437284.1, NM_139266.3, NM_001384886.1 and 1 more transcripts); c.1448G>C, p.Ser483Thr (NM_001384880.1); c.1514G>C, p.Ser505Thr (NM_001384881.1, NM_001384884.1); c.1502G>C, p.Ser501Thr (NM_001384882.1); c.1409G>C, p.Ser470Thr (NM_001384883.1); c.1349G>C, p.Ser450Thr (NM_001384885.1); c.1415G>C, p.Ser472Thr (NM_001384887.1); and 2 more; short protein forms S470T, S472T, S473T, S501T, S505T, S483T, S503T, S515T.
Identifiers: ClinVar variation 4791738 (VCV004791738.1).
Genomic context (GRCh38, chr2:190,982,457, plus strand): 5'-CCCAACATGTTCAGCTGGTCCACATTGAGACCTCTTTTGGTGACAGAAGAAAACTGCCAA[C>G]TCAGCACTTCTGAAAGCTGAGCCCATCGTGCACATGGTGGAGTCAGGAAGAAGGACAGAT-3'
Protein context (NP_009330.1, residues 493-513): ARWAQLSEVL[Ser503Thr]WQFSSVTKRG

ClinVar aggregate classification (germline): Uncertain significance (1 of 4 stars; one submission).

Conditions:
Autoimmune enteropathy and endocrinopathy - susceptibility to chronic infections syndrome. Also called: Immunodeficiency 31C, autosomal dominant; Immunodeficiency 31C. Identifiers: Orphanet 391487, MedGen C3279990, MONDO:0013599, OMIM 614162.
Immunodeficiency 31B. Also called: STAT1 DEFICIENCY, AUTOSOMAL RECESSIVE; IMMUNODEFICIENCY 31B, MYCOBACTERIAL AND VIRAL INFECTIONS, AUTOSOMAL RECESSIVE. Identifiers: Orphanet 391311, MedGen C3151088, MONDO:0013427, OMIM 613796.
Mendelian susceptibility to mycobacterial diseases due to partial STAT1 deficiency. Also called: IMMUNODEFICIENCY 31A, MYCOBACTERIOSIS, AUTOSOMAL DOMINANT; STAT1 DEFICIENCY, AUTOSOMAL DOMINANT; Immunodeficiency 31a. Identifiers: Orphanet 319595, MedGen C4013950, MONDO:0013956, OMIM 614892.

Submission:

Labcorp Genetics (formerly Invitae), Labcorp
Classification: Uncertain significance for Mendelian susceptibility to mycobacterial diseases due to partial STAT1 deficiency; Immunodeficiency 31B; Autoimmune enteropathy and endocrinopathy - susceptibility to chronic infections syndrome. Last evaluated: 2025-12-17. Review status: criteria provided, single submitter. Criteria: Invitae Variant Classification Sherloc (09022015). Collection method: clinical testing. Allele origin: germline.
Comment: This sequence change replaces serine, which is neutral and polar, with threonine, which is neutral and polar, at codon 503 of the STAT1 protein (p.Ser503Thr). This variant is not present in population databases (gnomAD no frequency). This variant has not been reported in the literature in individuals affected with STAT1-related conditions. An algorithm developed to predict the effect of missense changes on protein structure and function (PolyPhen-2) suggests that this variant is likely to be disruptive. In summary, the available evidence is currently insufficient to determine the role of this variant in disease. Therefore, it has been classified as a Variant of Uncertain Significance.